The following is an entry in ClinVar:

ClinVar aggregate classification (germline): Uncertain significance (1 of 4 stars; one submission).

gnomAD v4.1: 5 of 1,613,636 alleles (0.00031%); highest among the groups gnomAD compares: South Asian, 0.0011%; no homozygotes.

Submission:

CeGaT Center for Human Genetics Tuebingen
Classification: Uncertain significance. Last evaluated: 2026-06-01. Review status: criteria provided, single submitter. Criteria: CeGaT Center For Human Genetics Tuebingen Variant Classification Criteria Version 2. Collection method: clinical testing. Allele origin: germline. Affected: yes. Observed: 1 variant allele.
Comment: RPL8: PM2

NM_001317782.2(RPL8):c.409A>G (p.Ile137Val)

Gene: RPL8 (ribosomal protein L8; minus strand). Cytogenetic location: 8q24.3.
Variant type: single nucleotide variant.
Coding change: c.409A>G on transcript NM_001317782.2 (MANE Select); coding-DNA position 409, A replaced by G.
Protein change: p.Ile137Val; replaces isoleucine 137 with valine.
Molecular consequence: missense variant.
Genome position (GRCh38, 1-based): chr8:144,791,367, T>C on the plus strand (A>G on the coding strand, the complement: RPL8 is on the minus strand). VCF-style: chr8-144791367-T-C. GRCh37 (hg19) VCF-style: chr8-146016752-T-C.
Other names: c.409A>G, p.Ile137Val (NM_000973.5, NM_001317771.2, NM_033301.3); short protein forms I137V.
Identifiers: ClinVar variation 4874078 (VCV004874078.2).